The following is an entry in ClinVar:

NM_015836.4(WARS2):c.874C>T (p.Arg292Cys)

Gene: WARS2 (tryptophanyl tRNA synthetase 2, mitochondrial; minus strand). Cytogenetic location: 1p12.
Variant type: single nucleotide variant.
Coding change: c.874C>T on transcript NM_015836.4 (MANE Select); coding-DNA position 874, C replaced by T.
Protein change: p.Arg292Cys; replaces arginine 292 with cysteine.
Molecular consequence: missense variant. On other transcripts: 3 prime UTR variant (2).
Genome position (GRCh38, 1-based): chr1:119,033,120, G>A on the plus strand (C>T on the coding strand, the complement: WARS2 is on the minus strand). VCF-style: chr1-119033120-G-A. GRCh37 (hg19) VCF-style: chr1-119575743-G-A.
Other names: c.805C>T, p.Arg269Cys (NM_001378226.1, NM_001378227.1); c.703C>T, p.Arg235Cys (NM_001378228.1); c.616C>T, p.Arg206Cys (NM_001378229.1); c.592C>T, p.Arg198Cys (NM_001378230.1); c.*209C>T (NM_001378231.1); c.*240C>T (NM_201263.2); short protein forms R269C, R206C, R198C, R235C, R292C.
Identifiers: ClinVar variation 2065018 (VCV002065018.2), dbSNP rs201132666, ClinGen allele CA1035196.

ClinVar aggregate classification (germline): Uncertain significance. Review status: criteria provided, multiple submitters, no conflicts (2 of 4 stars). 2 submissions from 2 submitters: Uncertain significance (2). Last evaluated 2026-07-01.

Allele frequency attached by ClinVar (database versions not stated): gnomAD exomes 0.00006; ExAC 0.00008; gnomAD 0.00012; TOPMed 0.00018.
gnomAD v4.1: 121 of 1,614,092 alleles (0.0075%); highest among the groups gnomAD compares: Middle Eastern, 0.099%; no homozygotes.

Submissions (2):

CeGaT Center for Human Genetics Tuebingen
Classification: Uncertain significance. Last evaluated: 2026-07-01. Review status: criteria provided, single submitter. Criteria: CeGaT Center For Human Genetics Tuebingen Variant Classification Criteria Version 2. Collection method: clinical testing. Allele origin: germline. Affected: yes. Observed: 1 variant allele.
Comment: WARS2: PM2, BP4

Labcorp Genetics (formerly Invitae), Labcorp
Classification: Uncertain significance. Last evaluated: 2022-08-27. Review status: criteria provided, single submitter. Criteria: Invitae Variant Classification Sherloc (09022015). Collection method: clinical testing. Allele origin: germline.
Comment: This sequence change replaces arginine, which is basic and polar, with cysteine, which is neutral and slightly polar, at codon 292 of the WARS2 protein (p.Arg292Cys). This variant is present in population databases (rs201132666, gnomAD 0.06%). This variant has not been reported in the literature in individuals affected with WARS2-related conditions. Algorithms developed to predict the effect of missense changes on protein structure and function output the following: SIFT: "Deleterious"; PolyPhen-2: "Benign"; Align-GVGD: "Class C0". The cysteine amino acid residue is found in multiple mammalian species, which suggests that this missense change does not adversely affect protein function. In summary, the available evidence is currently insufficient to determine the role of this variant in disease. Therefore, it has been classified as a Variant of Uncertain Significance.